The following is an entry in ClinVar:

ClinVar aggregate classification (germline): Benign/Likely benign. Review status: criteria provided, multiple submitters, no conflicts (2 of 4 stars). 3 submissions from 3 submitters: Benign (1); Likely benign (2). Last evaluated 2025-02-26.

Conditions:
Hereditary cancer-predisposing syndrome. Also called: Tumor predisposition; Neoplastic Syndromes, Hereditary; Hereditary Cancer Syndrome; Hereditary neoplastic syndrome. Identifiers: Orphanet 140162, MedGen C0027672, MeSH D009386, MONDO:0015356.
Multiple endocrine neoplasia, type 2 (MEN2). Identifiers: Orphanet 653, MedGen C4048306, MONDO:0019003. Disease mechanism: gain of function.
Multiple endocrine neoplasia type 2A. Also called: MULTIPLE ENDOCRINE NEOPLASIA, TYPE IIA; PTC SYNDROME; SIPPLE SYNDROME; MEN 2A; MEN-2A syndrome; Pheochromocytoma and amyloid producing medullary thyroid carcinoma. Identifiers: Orphanet 247698, Orphanet 653, MedGen C0025268, MeSH D018813, MONDO:0008234, OMIM 171400.

gnomAD v4.1: 1 of 1,612,352 alleles (0.000062%); highest among the groups gnomAD compares: Admixed American, 0.0017%; no homozygotes.

Submissions (3):

Myriad Genetics, Inc.
Classification: Benign for Multiple endocrine neoplasia type 2A. Last evaluated: 2025-02-26. Review status: criteria provided, single submitter. Criteria: Myriad Autosomal Dominant, Autosomal Recessive and X-Linked Classification Criteria (2023). Collection method: clinical testing. Allele origin: unknown.
Comment: This variant is considered benign. This variant is a silent/synonymous amino acid change and it is not expected to impact splicing.

Labcorp Genetics (formerly Invitae), Labcorp
Classification: Likely benign for Multiple endocrine neoplasia, type 2. Last evaluated: 2024-03-25. Review status: criteria provided, single submitter. Criteria: Invitae Variant Classification Sherloc (09022015). Collection method: clinical testing. Allele origin: germline.

Ambry Genetics
Classification: Likely benign for Hereditary cancer-predisposing syndrome. Last evaluated: 2020-05-22. Review status: criteria provided, single submitter. Criteria: Ambry Variant Classification Scheme 2023. Collection method: clinical testing. Allele origin: germline.

NM_020975.6(RET):c.2085C>G (p.Pro695=)

Gene: RET (ret proto-oncogene; plus strand). Cytogenetic location: 10q11.21.
Variant type: single nucleotide variant.
Coding change: c.2085C>G on transcript NM_020975.6 (MANE Select); coding-DNA position 2085, C replaced by G.
Protein change: p.Pro695=; no amino-acid change (proline 695 retained).
Molecular consequence: synonymous variant.
Genome position (GRCh38, 1-based): chr10:43,114,685, C>G. VCF-style: chr10-43114685-C-G. GRCh37 (hg19) VCF-style: chr10-43610133-C-G.
Other names: c.1359C>G, p.Pro453= (NM_001406778.1, NM_001406775.1, NM_001406776.1 and 1 more transcripts); c.1188C>G, p.Pro396= (NM_001406779.1, NM_001406780.1, NM_001406781.1 and 1 more transcripts); c.1059C>G, p.Pro353= (NM_001406783.1, NM_001406786.1); c.1095C>G, p.Pro365= (NM_001406784.1); c.1068C>G, p.Pro356= (NM_001406785.1); c.1053C>G, p.Pro351= (NM_001406787.1); c.900C>G, p.Pro300= (NM_001406788.1, NM_001406789.1, NM_001406790.1); c.780C>G, p.Pro260= (NM_001406791.1); and 10 more.
Identifiers: ClinVar variation 241344 (VCV000241344.14), dbSNP rs571603831, ClinGen allele CA10582722.